The following is an entry in ClinVar:

ClinVar aggregate classification (germline): Uncertain significance. Review status: criteria provided, multiple submitters, no conflicts (2 of 4 stars). 3 submissions from 3 submitters: Uncertain significance (3). Last evaluated 2025-01-17.

Conditions:
Peripheral neuropathy, autosomal recessive, with or without impaired intellectual development. Identifiers: MedGen C4748283, MONDO:0029131, OMIM 618124.
Inborn genetic diseases. Identifiers: MedGen C0950123, MeSH D030342.

gnomAD v4.1: 155 of 1,613,946 alleles (0.0096%); highest among the groups gnomAD compares: Middle Eastern, 0.26%; 1 homozygote.

Submissions (3):

Ambry Genetics
Classification: Uncertain significance for Inborn genetic diseases. Last evaluated: 2025-01-17. Review status: criteria provided, single submitter. Criteria: Ambry Variant Classification Scheme 2023. Collection method: clinical testing. Allele origin: germline.

Labcorp Genetics (formerly Invitae), Labcorp
Classification: Uncertain significance. Last evaluated: 2025-01-06. Review status: criteria provided, single submitter. Criteria: Invitae Variant Classification Sherloc (09022015). Collection method: clinical testing. Allele origin: germline.
Comment: This sequence change replaces valine, which is neutral and non-polar, with leucine, which is neutral and non-polar, at codon 197 of the MCM3AP protein (p.Val197Leu). This variant is present in population databases (rs147601190, gnomAD 0.03%). This variant has not been reported in the literature in individuals affected with MCM3AP-related conditions. ClinVar contains an entry for this variant (Variation ID: 1349970). An algorithm developed to predict the effect of missense changes on protein structure and function (PolyPhen-2) suggests that this variant¬†is likely to be tolerated. In summary, the available evidence is currently insufficient to determine the role of this variant in disease. Therefore, it has been classified as a Variant of Uncertain Significance.

Revvity Omics, Revvity
Classification: Uncertain significance for Peripheral neuropathy, autosomal recessive, with or without impaired intellectual development. Last evaluated: 2022-05-23. Review status: criteria provided, single submitter. Criteria: ACMG Guidelines, 2015. Collection method: clinical testing. Allele origin: germline.

NM_003906.5(MCM3AP):c.589G>C (p.Val197Leu)

Gene: MCM3AP (minichromosome maintenance complex component 3 associated protein; minus strand). Cytogenetic location: 21q22.3.
Variant type: single nucleotide variant.
Coding change: c.589G>C on transcript NM_003906.5 (MANE Select); coding-DNA position 589, G replaced by C.
Protein change: p.Val197Leu; replaces valine 197 with leucine.
Molecular consequence: missense variant.
Genome position (GRCh38, 1-based): chr21:46,284,698, C>G on the plus strand (G>C on the coding strand, the complement: MCM3AP is on the minus strand). VCF-style: chr21-46284698-C-G. GRCh37 (hg19) VCF-style: chr21-47704612-C-G.
Other names: c.589G>C (NM_003906.3); short protein forms V197L.
Identifiers: ClinVar variation 1349970 (VCV001349970.8), dbSNP rs147601190, ClinGen allele CA10077313.